The following is an entry in ClinVar:

ClinVar aggregate classification (germline): Likely pathogenic (1 of 4 stars; one submission).

Conditions:
Lafora disease. Also called: Epilepsy progressive myoclonic 2. Identifiers: Orphanet 501, MedGen C0751783, MONDO:0009697.

gnomAD v4.1: 1 of 1,613,642 alleles (0.000062%); highest among the groups gnomAD compares: Non-Finnish European, 0.000085%; no homozygotes.

Submission:

Broad Center for Mendelian Genomics, Broad Institute of MIT and Harvard
Classification: Likely pathogenic for Lafora disease. Last evaluated: 2025-01-06. Review status: criteria provided, single submitter. Criteria: ACMG Guidelines, 2015. Collection method: curation. Allele origin: germline. Inheritance: Autosomal recessive inheritance.
Comment: The p.Arg108Leu variant in EPM2A has been reported in two siblings, in the homozygous state, with Lafora disease (PMID: 31858178, 33773408), and has been identified in 0.001% (1/68000) of European (non-Finnish) chromosomes by the Genome Aggregation Database (gnomAD; dbSNP ID: rs202234583). Although this variant has been seen in the general population in a heterozygous state, its frequency is low enough to be consistent with a recessive carrier frequency. Computational prediction tools and conservation analyses suggest that this variant may impact the protein, though this information is not predictive enough to determine pathogenicity. One additional likely pathogenic variant, resulting in a different amino acid change at the same position, p.Arg108Cys, has been reported in association with disease in ClinVar, slightly supporting that a change at this position may not be tolerated (Variation ID: 3100). The phenotype of two siblings homozygous for this variant are highly specific for Lafora disease based on biopsies showing Lafora bodies consistent with disease (PMID: 33773408). In summary, although additional studies are required to fully establish its clinical significance, this variant is likely pathogenic for autosomal recessive Lafora disease. ACMG/AMP Criteria applied: PP3_moderate, PP4, PM3_supporting, PM2_supporting, PM5_supporting (Richards 2015).

NM_005670.4(EPM2A):c.323G>T (p.Arg108Leu)

Gene: EPM2A (EPM2A glucan phosphatase, laforin; minus strand). Cytogenetic location: 6q24.3.
Variant type: single nucleotide variant.
Coding change: c.323G>T on transcript NM_005670.4 (MANE Select); coding-DNA position 323, G replaced by T.
Protein change: p.Arg108Leu; replaces arginine 108 with leucine.
Molecular consequence: missense variant. On other transcripts: 5 prime UTR variant (5), non-coding transcript variant (1).
Genome position (GRCh38, 1-based): chr6:145,686,275, C>A on the plus strand (G>T on the coding strand, the complement: EPM2A is on the minus strand). VCF-style: chr6-145686275-C-A. GRCh37 (hg19) VCF-style: chr6-146007411-C-A.
Other names: NR_153398.2:n.138G>T; c.323G>T, p.Arg108Leu (NM_001018041.2, NM_001360057.2, NM_001368130.1); c.-92G>T (NM_001360064.2, NM_001360071.2, NM_001368131.1); c.-301G>T (NM_001368129.2, NM_001368132.1); short protein forms R108L.
Identifiers: ClinVar variation 3776858 (VCV003776858.1).
Genomic context (GRCh38, chr6:145,686,275, plus strand): 5'-TGTCCTATTGGGAGACAATACACACCATCCACCAAGTTGTTTTCATTGTAAGTACAGCAA[C>A]GGTCATGATGAGGTCCATTGCCTAGAACAAGAAAAAATGATAAACAGAGCAATTAAATCA-3'
Protein context (NP_005661.1, residues 98-118): SWEGNGPHHD[Arg108Leu]CCTYNENNLV